The following is an entry in ClinVar:

ClinVar aggregate classification (germline): Uncertain significance (1 of 4 stars; one submission).

Conditions:
Generalized epilepsy-paroxysmal dyskinesia syndrome (PNKD3). Also called: Generalized epilepsy and paroxysmal dyskinesia; Paroxysmal nonkinesigenic dyskinesia, 3, with or without generalized epilepsy. Identifiers: Orphanet 79137, MedGen C5574945, MONDO:0012276, OMIM 609446.

gnomAD v4.1: 1 of 1,613,886 alleles (0.000062%); highest among the groups gnomAD compares: African/African-American, 0.0013%; no homozygotes.

Submission:

Labcorp Genetics (formerly Invitae), Labcorp
Classification: Uncertain significance for Generalized epilepsy-paroxysmal dyskinesia syndrome. Last evaluated: 2024-10-17. Review status: criteria provided, single submitter. Criteria: Invitae Variant Classification Sherloc (09022015). Collection method: clinical testing. Allele origin: germline.
Comment: This sequence change replaces valine, which is neutral and non-polar, with methionine, which is neutral and non-polar, at codon 168 of the KCNMA1 protein (p.Val168Met). This variant is present in population databases (no rsID available, gnomAD 0.007%). This variant has not been reported in the literature in individuals affected with KCNMA1-related conditions. Invitae Evidence Modeling of protein sequence and biophysical properties (such as structural, functional, and spatial information, amino acid conservation, physicochemical variation, residue mobility, and thermodynamic stability) indicates that this missense variant is not expected to disrupt KCNMA1 protein function with a negative predictive value of 80%. In summary, the available evidence is currently insufficient to determine the role of this variant in disease. Therefore, it has been classified as a Variant of Uncertain Significance.

NM_001161352.2(KCNMA1):c.502G>A (p.Val168Met)

Gene: KCNMA1 (potassium calcium-activated channel subfamily M alpha 1; minus strand). Cytogenetic location: 10q22.3.
Variant type: single nucleotide variant.
Coding change: c.502G>A on transcript NM_001161352.2 (MANE Select); coding-DNA position 502, G replaced by A.
Protein change: p.Val168Met; replaces valine 168 with methionine.
Molecular consequence: missense variant. On other transcripts: intron variant (1).
Genome position (GRCh38, 1-based): chr10:77,403,900, C>T on the plus strand (G>A on the coding strand, the complement: KCNMA1 is on the minus strand). VCF-style: chr10-77403900-C-T. GRCh37 (hg19) VCF-style: chr10-79163658-C-T.
Other names: c.502G>A, p.Val168Met (NM_001014797.3, NM_001161353.2, NM_001271519.2 and 8 more transcripts); c.379-152644G>A (NM_001271518.2); short protein forms V168M.
Identifiers: ClinVar variation 3721287 (VCV003721287.2).